The following is an entry in ClinVar:

ClinVar aggregate classification (germline): Likely benign (1 of 4 stars; one submission).

Conditions:
Surfactant metabolism dysfunction, pulmonary, 1. Also called: INTERSTITIAL LUNG DISEASE DUE TO SURFACTANT PROTEIN B DEFICIENCY; INTERSTITIAL LUNG DISEASE, NONSPECIFIC, DUE TO SURFACTANT PROTEIN B DEFICIENCY; PULMONARY ALVEOLAR PROTEINOSIS, CONGENITAL, 1; Pulmonary surfactant protein B, deficiency of; Neonatal acute respiratory distress due to SP-B deficiency. Identifiers: Orphanet 217563, MedGen C1968602, MONDO:0009929, OMIM 265120.

Allele frequency attached by ClinVar (database versions not stated): 1000 Genomes Project 0.00060; 1000 Genomes Project 30x 0.00062; gnomAD 0.00099 and 0.00103; TOPMed 0.00124.

Submission:

Illumina Laboratory Services, Illumina
Classification: Likely benign for Surfactant metabolism dysfunction, pulmonary, 1. Last evaluated: 2018-01-13. Review status: criteria provided, single submitter. Criteria: ICSL Variant Classification Criteria 13 December 2019. Collection method: clinical testing. Allele origin: germline.
Comment: This variant was observed in the ICSL laboratory as part of a predisposition screen in an ostensibly healthy population. It had not been previously curated by ICSL or reported in the Human Gene Mutation Database (HGMD: prior to June 1st, 2018), and was therefore a candidate for classification through an automated scoring system. Utilizing variant allele frequency, disease prevalence and penetrance estimates, and inheritance mode, an automated score was calculated to assess if this variant is too frequent to cause the disease. Based on the score and internal cut-off values, a variant classified as likely benign is not then subjected to further curation. The score for this variant resulted in a classification of likely benign for this disease.

NM_000542.5(SFTPB):c.*1901C>T

Gene: SFTPB (surfactant protein B; minus strand). Cytogenetic location: 2p11.2.
Variant type: single nucleotide variant.
Coding change: c.*1901C>T on transcript NM_000542.5 (MANE Select); 1901 bases downstream of the stop codon, C replaced by T.
Molecular consequence: 3 prime UTR variant.
Genome position (GRCh38, 1-based): chr2:85,657,801, G>A on the plus strand (C>T on the coding strand, the complement: SFTPB is on the minus strand). VCF-style: chr2-85657801-G-A. GRCh37 (hg19) VCF-style: chr2-85884924-G-A.
Other names: c.*980C>T (NM_001367281.2); c.*1074C>T (NM_198843.4).
Identifiers: ClinVar variation 337289 (VCV000337289.5), dbSNP rs531786266, ClinGen allele CA10614064.
Genomic context (GRCh38, chr2:85,657,801, plus strand): 5'-CAGCAAAGGGTGGTGGGATTATCATTAGTTCTTGTAGGTTTGGGATAGGCGGTGGAGTTA[G>A]GAGCAATTTTTTGTGGGCAGGGGGTGGATCTTACAAAGCACATTCTCAATGGCGGAGAGA-3'